The following is an entry in ClinVar:

ClinVar aggregate classification (germline): Uncertain significance. Review status: criteria provided, multiple submitters, no conflicts (2 of 4 stars). 3 submissions from 3 submitters: Uncertain significance (3). Last evaluated 2024-03-06.

Conditions:
Cardiomyopathy (CMYO). Also called: Cardiomyopathies. Identifiers: Orphanet 167848, MedGen C0878544, MONDO:0004994, HP:0001638. Inheritance: Various modes of inheritance.
Arrhythmogenic right ventricular cardiomyopathy (ARVD). Also called: Arrhythmogenic cardiomyopathy; Cardiomyopathy, ARVC; Arrhythmogenic right ventricular dysplasia; Arrhythmogenic Right Ventricular Cardiomyopathy (ARVC). Identifiers: Orphanet 247, MedGen C0349788, MeSH D019571, MONDO:0016587. Disease mechanism: loss of function. Inheritance: Various modes of inheritance.
Arrhythmogenic right ventricular dysplasia 10. Also called: Arrhythmogenic Right Ventricular Dysplasia/Cardiomyopathy10; ARRHYTHMOGENIC RIGHT VENTRICULAR DYSPLASIA, FAMILIAL, 10; Arrhythmogenic right ventricular dysplasia/cardiomyopathy, type 10. Identifiers: MedGen C1857777, MONDO:0012434, OMIM 610193.

Allele frequency attached by ClinVar (database versions not stated): TOPMed below 0.00001; gnomAD 0.00001.

Submissions (3):

Color Diagnostics, LLC DBA Color Health
Classification: Uncertain significance for Cardiomyopathy. Last evaluated: 2024-03-06. Review status: criteria provided, single submitter. Criteria: ACMG Guidelines, 2015. Collection method: clinical testing. Allele origin: germline.
Comment: This missense variant replaces proline with serine at codon 538 of the DSG2 protein. Computational prediction suggests that this variant may not impact protein structure and function (internally defined REVEL score threshold <= 0.5, PMID: 27666373). To our knowledge, functional studies have not been reported for this variant. This variant has not been reported in individuals affected with DSG2-related disorders in the literature. This variant has been identified in 1/249220 chromosomes in the general population by the Genome Aggregation Database (gnomAD). The available evidence is insufficient to determine the role of this variant in disease conclusively. Therefore, this variant is classified as a Variant of Uncertain Significance.

Labcorp Genetics (formerly Invitae), Labcorp
Classification: Uncertain significance for Arrhythmogenic right ventricular dysplasia 10. Last evaluated: 2024-02-16. Review status: criteria provided, single submitter. Criteria: Invitae Variant Classification Sherloc (09022015). Collection method: clinical testing. Allele origin: germline.
Comment: This sequence change replaces proline, which is neutral and non-polar, with serine, which is neutral and polar, at codon 538 of the DSG2 protein (p.Pro538Ser). This variant is present in population databases (no rsID available, gnomAD 0.006%). This variant has not been reported in the literature in individuals affected with DSG2-related conditions. ClinVar contains an entry for this variant (Variation ID: 924759). Advanced modeling of protein sequence and biophysical properties (such as structural, functional, and spatial information, amino acid conservation, physicochemical variation, residue mobility, and thermodynamic stability) performed at Invitae indicates that this missense variant is not expected to disrupt DSG2 protein function with a negative predictive value of 95%. In summary, the available evidence is currently insufficient to determine the role of this variant in disease. Therefore, it has been classified as a Variant of Uncertain Significance.

All of Us Research Program, National Institutes of Health
Classification: Uncertain significance for Arrhythmogenic right ventricular cardiomyopathy. Last evaluated: 2023-02-24. Review status: criteria provided, single submitter. Criteria: ACMG Guidelines, 2015. Collection method: clinical testing. Allele origin: germline. Inheritance: Autosomal dominant inheritance. Observed: 1 variant allele, 1 heterozygote.
Comment: Variant of Uncertain Significance due to insufficient evidence: This missense variant replaces proline with serine at codon 538 of the DSG2 protein. Computational prediction tools and conservation analyses are inconclusive regarding the impact of this variant on the protein function. Computational splicing tools suggest that this variant may not impact RNA splicing. To our knowledge, functional assays have not been performed for this variant nor has this variant been reported in individuals affected with cardiovascular disorders in the literature. This variant has been identified in 1/245876 chromosomes in the general population by the Genome Aggregation Database (gnomAD). Available evidence is insufficient to determine the role of this variant in disease conclusively.

This study involves interpretation of variants in research participants for the purpose of population health screening. Participant phenotype was not available at the time of variant classification. Additional details can be found in publication PMID: 35346344, PMCID: PMC8962531

NM_001943.5(DSG2):c.1612C>T (p.Pro538Ser)

Gene: DSG2 (desmoglein 2; plus strand). Cytogenetic location: 18q12.1.
Variant type: single nucleotide variant.
Coding change: c.1612C>T on transcript NM_001943.5 (MANE Select); coding-DNA position 1612, C replaced by T.
Protein change: p.Pro538Ser; replaces proline 538 with serine.
Molecular consequence: missense variant.
Genome position (GRCh38, 1-based): chr18:31,536,390, C>T. VCF-style: chr18-31536390-C-T. GRCh37 (hg19) VCF-style: chr18-29116353-C-T.
Other names: short protein forms P538S.
Identifiers: ClinVar variation 924759 (VCV000924759.13), dbSNP rs766053352, ClinGen allele CA402142071.